The following is an entry in ClinVar:

NM_005120.3(MED12):c.2226+3A>G

Gene: MED12 (mediator complex subunit 12; plus strand). Cytogenetic location: Xq13.1.
Variant type: single nucleotide variant.
Coding change: c.2226+3A>G on transcript NM_005120.3 (MANE Select); 3 bases into the intron after coding-DNA position 2226, A replaced by G.
Molecular consequence: intron variant.
Genome position (GRCh38, 1-based): chrX:71,125,149, A>G. VCF-style: chrX-71125149-A-G. GRCh37 (hg19) VCF-style: chrX-70344999-A-G.
Identifiers: ClinVar variation 5043364 (VCV005043364.1).

ClinVar aggregate classification (germline): Uncertain significance (1 of 4 stars; one submission).

Conditions:
Cholestasis-pigmentary retinopathy-cleft palate syndrome (HDKR). Also called: Hardikar Syndrome (HS). Identifiers: Orphanet 1415, MedGen C0795969, MeSH C535632, MONDO:0012997, OMIM 301068.

Submission:

Eurofins-Biomnis
Classification: Uncertain significance for Cholestasis-pigmentary retinopathy-cleft palate syndrome. Last evaluated: 2025-11-18. Review status: criteria provided, single submitter. Criteria: Accession Criteria ClinVar Biomnis. Collection method: clinical testing. Allele origin: de novo. Inheritance: X-linked dominant inheritance. Observed: 1 variant allele, 1 heterozygote.
Comment: Intronic variant at position +3 of the exon 15 donor site (SpliceAI donor loss 0.20, donor gain 0.55 for a cryptic donor 28 nt upstream). Targeted long-range RT-PCR (exons 5-33) followed by nanopore long-read sequencing of RNA from cultured amniotic fluid cells, compared with two control cultures, detected canonical splicing only, with no exon 15 skipping and no use of the cryptic donor site. No heterozygous marker was available within the amplicon to establish expression of the variant allele and NMD was not inhibited, so a splice defect affecting the variant allele could not be excluded; the RNA evidence was applied at supporting strength only. ACMG/AMP criteria: PS2_Supporting, PM2_Supporting, PP3, BP7_Supporting (RNA).